The following is an entry in ClinVar:

NM_001164508.2(NEB):c.18310G>C (p.Val6104Leu)

Gene: NEB (nebulin; minus strand). Cytogenetic location: 2q23.3.
Variant type: single nucleotide variant.
Coding change: c.18310G>C on transcript NM_001164508.2 (MANE Select); coding-DNA position 18310, G replaced by C.
Protein change: p.Val6104Leu; replaces valine 6104 with leucine.
Molecular consequence: missense variant.
Genome position (GRCh38, 1-based): chr2:151,565,557, C>G on the plus strand (G>C on the coding strand, the complement: NEB is on the minus strand). VCF-style: chr2-151565557-C-G. GRCh37 (hg19) VCF-style: chr2-152422071-C-G.
Other names: c.18310G>C, p.Val6104Leu (NM_001271208.2, NM_001164507.2); c.13207G>C, p.Val4403Leu (NM_004543.5); short protein forms V6104L, V4403L.
Identifiers: ClinVar variation 839692 (VCV000839692.7), dbSNP rs1253544291, ClinGen allele CA348801263.

ClinVar aggregate classification (germline): Uncertain significance (1 of 4 stars; one submission).

Conditions:
Nemaline myopathy 2 (NEM2). Also called: Nemaline myopathy 2, autosomal recessive. Identifiers: MedGen C1850569, MONDO:0009725, OMIM 256030.

Submission:

Labcorp Genetics (formerly Invitae), Labcorp
Classification: Uncertain significance for Nemaline myopathy 2. Last evaluated: 2021-08-28. Review status: criteria provided, single submitter. Criteria: Invitae Variant Classification Sherloc (09022015). Collection method: clinical testing. Allele origin: germline.
Comment: This sequence change replaces valine with leucine at codon 6104 of the NEB protein (p.Val6104Leu). The valine residue is moderately conserved and there is a small physicochemical difference between valine and leucine. This variant is not present in population databases (ExAC no frequency). This variant has not been reported in the literature in individuals affected with NEB-related conditions. Algorithms developed to predict the effect of missense changes on protein structure and function are either unavailable or do not agree on the potential impact of this missense change (SIFT: "Deleterious"; PolyPhen-2: "Not Available"; Align-GVGD: "Class C0"). In summary, the available evidence is currently insufficient to determine the role of this variant in disease. Therefore, it has been classified as a Variant of Uncertain Significance.